The following is an entry in ClinVar:

NM_002778.4(PSAP):c.88G>T (p.Ala30Ser)

Gene: PSAP (prosaposin; minus strand). Cytogenetic location: 10q22.1.
Variant type: single nucleotide variant.
Coding change: c.88G>T on transcript NM_002778.4 (MANE Select); coding-DNA position 88, G replaced by T.
Protein change: p.Ala30Ser; replaces alanine 30 with serine.
Molecular consequence: missense variant.
Genome position (GRCh38, 1-based): chr10:71,834,458, C>A on the plus strand (G>T on the coding strand, the complement: PSAP is on the minus strand). VCF-style: chr10-71834458-C-A. GRCh37 (hg19) VCF-style: chr10-73594215-C-A.
Other names: c.88G>T, p.Ala30Ser (NM_001042465.3, NM_001042466.3); short protein forms A30S.
Identifiers: ClinVar variation 300536 (VCV000300536.27), dbSNP rs144942998, ClinGen allele CA5547906.

ClinVar aggregate classification (germline): Conflicting classifications of pathogenicity. Review status: criteria provided, conflicting classifications (1 of 4 stars). 10 submissions from 7 submitters: Uncertain significance (1); Benign (1); Likely benign (8). Last evaluated 2026-09-01.

Conditions:
PSAP-related disorder. Also called: PSAP-related condition.
Krabbe disease due to saposin A deficiency. Also called: KRABBE DISEASE, ATYPICAL, DUE TO SAPOSIN A DEFICIENCY; Saposin A Deficiency. Identifiers: Orphanet 487, MedGen C2673266, MONDO:0012720, OMIM 611722.
Gaucher disease due to saposin C deficiency. Also called: Atypical Gaucher disease due to saposin C deficiency; Saposin C Deficiency. Identifiers: Orphanet 309252, Orphanet 355, MedGen C1864651, MONDO:0012517, OMIM 610539.
Combined PSAP deficiency (PSAPD). Also called: PROSAPOSIN DEFICIENCY; COMBINED SAP DEFICIENCY; Encephalopathy due to prosaposin deficiency. Identifiers: Orphanet 139406, MedGen C2673635, MONDO:0012719, OMIM 611721.
Sphingolipid activator protein 1 deficiency. Also called: METACHROMATIC LEUKODYSTROPHY DUE TO CEREBROSIDE SULFATASE ACTIVATOR DEFICIENCY; Metachromatic leukodystrophy due to saposin B deficiency; Saposin B Deficiency. Identifiers: Orphanet 512, MedGen C0268262, MONDO:0009590, OMIM 249900.
Inborn genetic diseases. Identifiers: MedGen C0950123, MeSH D030342.

Allele frequency attached by ClinVar (database versions not stated): gnomAD 0.00050 and 0.00051; gnomAD exomes 0.00053 and 0.00081; ESP Exome Variant Server 0.00062; TOPMed 0.00063; ExAC 0.00066.

Submissions (10):

Ambry Genetics
Classification: Likely benign for Inborn genetic diseases. Last evaluated: 2026-09-01. Review status: criteria provided, single submitter. Criteria: Ambry Variant Classification Scheme 2023. Collection method: clinical testing. Allele origin: germline.

Labcorp Genetics (formerly Invitae), Labcorp
Classification: Benign for Sphingolipid activator protein 1 deficiency. Last evaluated: 2026-01-28. Review status: criteria provided, single submitter. Criteria: Invitae Variant Classification Sherloc (09022015). Collection method: clinical testing. Allele origin: germline.

PreventionGenetics, part of Exact Sciences
Classification: Likely benign for PSAP-related condition. Last evaluated: 2026-01-13. Review status: criteria provided, single submitter. Criteria: ACMG Guidelines, 2015. Collection method: clinical testing. Allele origin: germline.
Comment: This variant is classified as likely benign based on ACMG/AMP sequence variant interpretation guidelines (Richards et al. 2015 PMID: 25741868, with internal and published modifications).

CeGaT Center for Human Genetics Tuebingen
Classification: Likely benign. Last evaluated: 2025-04-01. Review status: criteria provided, single submitter. Criteria: CeGaT Center For Human Genetics Tuebingen Variant Classification Criteria Version 2. Collection method: clinical testing. Allele origin: germline. Affected: yes. Observed: 1 variant allele.
Comment: PSAP: BP4

Blueprint Genetics
Classification: Likely benign. Last evaluated: 2024-11-22. Review status: criteria provided, single submitter. Criteria: ACMG Guidelines, 2015. Collection method: clinical testing. Allele origin: germline.

GeneDx
Classification: Uncertain significance. Last evaluated: 2020-08-18. Review status: criteria provided, single submitter. Criteria: GeneDx Variant Classification Process June 2021. Collection method: clinical testing. Allele origin: germline. Affected: yes.
Comment: In silico analysis, which includes protein predictors and evolutionary conservation, supports that this variant does not alter protein structure/function; Has not been previously published as pathogenic or benign to our knowledge; This variant is associated with the following publications: (PMID: 30037697)

Illumina Laboratory Services, Illumina
Classification: Likely benign for Combined PSAP deficiency. Last evaluated: 2017-04-27. Review status: criteria provided, single submitter. Criteria: ICSL Variant Classification Criteria 13 December 2019. Collection method: clinical testing. Allele origin: germline.
Comment: This variant was observed as part of a predisposition screen in an ostensibly healthy population. A literature search was performed for the gene, cDNA change, and amino acid change (where applicable). No publications were found based on this search. Allele frequency data from public databases allowed determination this variant is unlikely to cause disease. Therefore, this variant is classified as likely benign.

Illumina Laboratory Services, Illumina
Classification: Likely benign for Krabbe disease due to saposin A deficiency. Last evaluated: 2017-04-27. Review status: criteria provided, single submitter. Criteria: ICSL Variant Classification Criteria 13 December 2019. Collection method: clinical testing. Allele origin: germline.
Comment: the same text as in the submission from Illumina Laboratory Services, Illumina above.

Illumina Laboratory Services, Illumina
Classification: Likely benign for Gaucher disease due to saposin C deficiency. Last evaluated: 2017-04-27. Review status: criteria provided, single submitter. Criteria: ICSL Variant Classification Criteria 13 December 2019. Collection method: clinical testing. Allele origin: germline.
Comment: the same text as in the submission from Illumina Laboratory Services, Illumina above.

Illumina Laboratory Services, Illumina
Classification: Likely benign for Sphingolipid activator protein 1 deficiency. Last evaluated: 2017-04-27. Review status: criteria provided, single submitter. Criteria: ICSL Variant Classification Criteria 13 December 2019. Collection method: clinical testing. Allele origin: germline.
Comment: the same text as in the submission from Illumina Laboratory Services, Illumina above.